The following is an entry in ClinVar:

NM_001083962.2(TCF4):c.1419G>C (p.Pro473=)

Gene: TCF4 (transcription factor 4; minus strand). Cytogenetic location: 18q21.2.
Variant type: single nucleotide variant.
Coding change: c.1419G>C on transcript NM_001083962.2 (MANE Select); coding-DNA position 1419, G replaced by C.
Protein change: p.Pro473=; no amino-acid change (proline 473 retained).
Molecular consequence: synonymous variant.
Genome position (GRCh38, 1-based): chr18:55,234,615, C>G on the plus strand (G>C on the coding strand, the complement: TCF4 is on the minus strand). VCF-style: chr18-55234615-C-G. GRCh37 (hg19) VCF-style: chr18-52901846-C-G.
Other names: p.P473P:CCG>CCC; p.Pro473=; c.1725G>C, p.Pro575= (NM_001243226.3); c.1347G>C, p.Pro449= (NM_001243227.2, NM_001306207.1, NM_001348217.1 and 5 more transcripts); c.1437G>C, p.Pro479= (NM_001243228.2); c.1410G>C, p.Pro470= (NM_001243230.2); c.1293G>C, p.Pro431= (NM_001243231.2, NM_001348211.2); c.1206G>C, p.Pro402= (NM_001243232.1, NM_001306208.1); and 8 more.
Identifiers: ClinVar variation 93541 (VCV000093541.56), dbSNP rs143944746, ClinGen allele CA302674.

ClinVar aggregate classification (germline): Benign/Likely benign. Review status: criteria provided, multiple submitters, no conflicts (2 of 4 stars). 11 submissions from 11 submitters: Benign (8); Likely benign (3). Last evaluated 2026-05-01.

Conditions:
Inborn genetic diseases. Identifiers: MedGen C0950123, MeSH D030342.
Pitt-Hopkins syndrome (PTHS). Also called: ENCEPHALOPATHY, SEVERE EPILEPTIC, WITH AUTONOMIC DYSFUNCTION; MENTAL RETARDATION, SYNDROMAL, WITH INTERMITTENT HYPERVENTILATION. Identifiers: Orphanet 2896, MedGen C1970431, MONDO:0012589, OMIM 610954.

Allele frequency attached by ClinVar (database versions not stated): 1000 Genomes Project 30x 0.00047; 1000 Genomes Project 0.00060; gnomAD 0.00178; ESP Exome Variant Server 0.00192; TOPMed 0.00225.
gnomAD v4.1: 4,018 of 1,614,066 alleles (0.25%); highest among the groups gnomAD compares: Non-Finnish European, 0.26%; 12 homozygotes.

Submissions (11):

CeGaT Center for Human Genetics Tuebingen
Classification: Likely benign. Last evaluated: 2026-05-01. Review status: criteria provided, single submitter. Criteria: CeGaT Center For Human Genetics Tuebingen Variant Classification Criteria Version 2. Collection method: clinical testing. Allele origin: germline. Affected: yes. Observed: 9 variant alleles.
Comment: TCF4: BP4, BP7

Labcorp Genetics (formerly Invitae), Labcorp
Classification: Benign for Pitt-Hopkins syndrome. Last evaluated: 2026-01-31. Review status: criteria provided, single submitter. Criteria: Invitae Variant Classification Sherloc (09022015). Collection method: clinical testing. Allele origin: germline.

ARUP Laboratories, Molecular Genetics and Genomics, ARUP Laboratories
Classification: Benign. Last evaluated: 2025-03-13. Review status: criteria provided, single submitter. Criteria: ARUP Molecular Germline Variant Investigation Process 2024. Collection method: clinical testing. Allele origin: germline.

Blueprint Genetics
Classification: Likely benign. Last evaluated: 2024-11-22. Review status: criteria provided, single submitter. Criteria: ACMG Guidelines, 2015. Collection method: clinical testing. Allele origin: germline.

Athena Diagnostics
Classification: Benign. Last evaluated: 2020-12-15. Review status: criteria provided, single submitter. Criteria: Athena Diagnostics criteria. Collection method: clinical testing. Allele origin: unknown.

Mayo Clinic Laboratories, Mayo Clinic
Classification: Benign. Last evaluated: 2019-08-22. Review status: criteria provided, single submitter. Criteria: ACMG Guidelines, 2015. Collection method: clinical testing. Allele origin: germline. Observed: 2 variant alleles.

Illumina Laboratory Services, Illumina
Classification: Benign for Pitt-Hopkins syndrome. Last evaluated: 2018-01-13. Review status: criteria provided, single submitter. Criteria: ICSL Variant Classification Criteria 13 December 2019. Collection method: clinical testing. Allele origin: germline.
Comment: This variant was observed in the ICSL laboratory as part of a predisposition screen in an ostensibly healthy population. It had not been previously curated by ICSL or reported in the Human Gene Mutation Database (HGMD: prior to June 1st, 2018), and was therefore a candidate for classification through an automated scoring system. Utilizing variant allele frequency, disease prevalence and penetrance estimates, and inheritance mode, an automated score was calculated to assess if this variant is too frequent to cause the disease. Based on the score and internal cut-off values, a variant classified as benign is not then subjected to further curation. The score for this variant resulted in a classification of benign for this disease.

Ambry Genetics
Classification: Likely benign for Inborn genetic diseases. Last evaluated: 2016-03-16. Review status: criteria provided, single submitter. Criteria: Ambry Variant Classification Scheme 2023. Collection method: clinical testing. Allele origin: germline.

Genetic Services Laboratory, University of Chicago
Classification: Benign. Last evaluated: 2015-08-10. Review status: criteria provided, single submitter. Criteria: ACMG Guidelines, 2015. Collection method: clinical testing. Allele origin: germline.

Eurofins Ntd Llc (ga)
Classification: Benign. Last evaluated: 2015-03-12. Review status: criteria provided, single submitter. Criteria: EGL Classification Definitions 2015. Collection method: clinical testing. Allele origin: germline. Observed: 1 variant allele, 1 heterozygote.

GeneDx
Classification: Benign. Last evaluated: 2013-12-26. Review status: criteria provided, single submitter. Criteria: GeneDx Variant Classification (06012015). Collection method: clinical testing. Allele origin: germline. Affected: yes.
Comment: This variant is considered likely benign or benign based on one or more of the following criteria: it is a conservative change, it occurs at a poorly conserved position in the protein, it is predicted to be benign by multiple in silico algorithms, and/or has population frequency not consistent with disease.

Literature cited by the submitters: PubMed 26010163 (cited by Athena Diagnostics).